The following is an entry in ClinVar:

ClinVar aggregate classification (germline): Uncertain significance. Review status: criteria provided, multiple submitters, no conflicts (2 of 4 stars). 2 submissions from 2 submitters: Uncertain significance (2). Last evaluated 2023-08-20.

Conditions:
Ataxia-telangiectasia syndrome (AT). Also called: Ataxia telangiectasia (A-T); LOUIS-BAR SYNDROME; Cerebello-oculocutaneous telangiectasia; Immunodeficiency with ataxia telangiectasia; Ataxia-telangiectasia, complementation group D; AT, COMPLEMENTATION GROUP C. Identifiers: Orphanet 100, MedGen C0004135, MONDO:0008840, OMIM 208900.
Hereditary cancer-predisposing syndrome. Also called: Hereditary neoplastic syndrome; Neoplastic Syndromes, Hereditary; Tumor predisposition; Hereditary Cancer Syndrome. Identifiers: Orphanet 140162, MedGen C0027672, MeSH D009386, MONDO:0015356.

Submissions (2):

Labcorp Genetics (formerly Invitae), Labcorp
Classification: Uncertain significance for Ataxia-telangiectasia syndrome. Last evaluated: 2023-08-20. Review status: criteria provided, single submitter. Criteria: Invitae Variant Classification Sherloc (09022015). Collection method: clinical testing. Allele origin: germline.
Comment: In summary, the available evidence is currently insufficient to determine the role of this variant in disease. Therefore, it has been classified as a Variant of Uncertain Significance. This variant disrupts the p.Phe2686 amino acid residue in ATM. Other variant(s) that disrupt this residue have been determined to be pathogenic (PMID: 31429931). This suggests that this residue is clinically significant, and that variants that disrupt this residue are likely to be disease-causing. An algorithm developed to predict the effect of missense changes on protein structure and function (PolyPhen-2) suggests that this variant is likely to be disruptive. ClinVar contains an entry for this variant (Variation ID: 1761823). This sequence change replaces phenylalanine, which is neutral and non-polar, with serine, which is neutral and polar, at codon 2686 of the ATM protein (p.Phe2686Ser). This variant is not present in population databases (gnomAD no frequency). This variant has not been reported in the literature in individuals affected with ATM-related conditions.

Ambry Genetics
Classification: Uncertain significance for Hereditary cancer-predisposing syndrome. Last evaluated: 2021-06-11. Review status: criteria provided, single submitter. Criteria: Ambry Variant Classification Scheme 2023. Collection method: clinical testing. Allele origin: germline.
Comment: The p.F2686S variant (also known as c.8057T>C), located in coding exon 54 of the ATM gene, results from a T to C substitution at nucleotide position 8057. The phenylalanine at codon 2686 is replaced by serine, an amino acid with highly dissimilar properties. This amino acid position is highly conserved in available vertebrate species. In addition, this alteration is predicted to be deleterious by in silico analysis. Since supporting evidence is limited at this time, the clinical significance of this alteration remains unclear.

Literature cited by the submitters: PubMed 31429931 (cited by Labcorp Genetics (formerly Invitae), Labcorp).

NM_000051.4(ATM):c.8057T>C (p.Phe2686Ser)

Genes: ATM (ATM serine/threonine kinase; plus strand), C11orf65 (chromosome 11 open reading frame 65; minus strand). Cytogenetic location: 11q22.3.
Variant type: single nucleotide variant.
Coding change: c.8057T>C on transcript NM_000051.4 (MANE Select); coding-DNA position 8057, T replaced by C.
Protein change: p.Phe2686Ser; replaces phenylalanine 2686 with serine.
Molecular consequence: missense variant. On other transcripts: intron variant (2).
Genome position (GRCh38, 1-based): chr11:108,335,015, T>C. VCF-style: chr11-108335015-T-C. GRCh37 (hg19) VCF-style: chr11-108205742-T-C.
Other names: c.8057T>C, p.Phe2686Ser (NM_001351834.2); c.641-25944A>G (NM_001330368.2); c.*38+205A>G (NM_001351110.2); short protein forms F2686S.
Identifiers: ClinVar variation 1761823 (VCV001761823.5), dbSNP rs2136657365, ClinGen allele CA382561948.